The following is an entry in ClinVar:

ClinVar aggregate classification (germline): Benign. Review status: criteria provided, multiple submitters, no conflicts (2 of 4 stars). 3 submissions from 3 submitters: Benign (3). Last evaluated 2026-01-19.

Conditions:
Combined oxidative phosphorylation defect type 8. Also called: CARDIOMYOPATHY, HYPERTROPHIC MITOCHONDRIAL, FATAL INFANTILE. Identifiers: Orphanet 319504, MedGen C4518839, MONDO:0013570, OMIM 614096.

Allele frequency attached by ClinVar (database versions not stated): gnomAD exomes 0.00080 and 0.00214; ExAC 0.00288; gnomAD 0.00875 and 0.00947; ESP Exome Variant Server 0.00900; 1000 Genomes Project 0.00938; 1000 Genomes Project 30x 0.00984; TOPMed 0.00994.
gnomAD v4.1: 2,523 of 1,613,764 alleles (0.16%); highest among the groups gnomAD compares: African/African-American, 3.1%; 32 homozygotes.

Submissions (3):

Labcorp Genetics (formerly Invitae), Labcorp
Classification: Benign. Last evaluated: 2026-01-19. Review status: criteria provided, single submitter. Criteria: Invitae Variant Classification Sherloc (09022015). Collection method: clinical testing. Allele origin: germline.

Illumina Laboratory Services, Illumina
Classification: Benign for Combined oxidative phosphorylation defect type 8. Last evaluated: 2018-01-12. Review status: criteria provided, single submitter. Criteria: ICSL Variant Classification Criteria 13 December 2019. Collection method: clinical testing. Allele origin: germline.
Comment: This variant was observed in the ICSL laboratory as part of a predisposition screen in an ostensibly healthy population. It had not been previously curated by ICSL or reported in the Human Gene Mutation Database (HGMD: prior to June 1st, 2018), and was therefore a candidate for classification through an automated scoring system. Utilizing variant allele frequency, disease prevalence and penetrance estimates, and inheritance mode, an automated score was calculated to assess if this variant is too frequent to cause the disease. Based on the score and internal cut-off values, a variant classified as benign is not then subjected to further curation. The score for this variant resulted in a classification of benign for this disease.

GeneDx
Classification: Benign. Last evaluated: 2014-09-16. Review status: criteria provided, single submitter. Criteria: GeneDx Variant Classification (06012015). Collection method: clinical testing. Allele origin: germline. Affected: yes.
Comment: This variant is considered likely benign or benign based on one or more of the following criteria: it is a conservative change, it occurs at a poorly conserved position in the protein, it is predicted to be benign by multiple in silico algorithms, and/or has population frequency not consistent with disease.

NM_020745.4(AARS2):c.749+14G>A

Gene: AARS2 (alanyl-tRNA synthetase 2, mitochondrial; minus strand). Cytogenetic location: 6p21.1.
Variant type: single nucleotide variant.
Coding change: c.749+14G>A on transcript NM_020745.4 (MANE Select); 14 bases into the intron after coding-DNA position 749, G replaced by A.
Molecular consequence: intron variant.
Genome position (GRCh38, 1-based): chr6:44,310,980, C>T on the plus strand (G>A on the coding strand, the complement: AARS2 is on the minus strand). VCF-style: chr6-44310980-C-T. GRCh37 (hg19) VCF-style: chr6-44278717-C-T.
Identifiers: ClinVar variation 213949 (VCV000213949.12), dbSNP rs74709196, ClinGen allele CA320675.
Genomic context (GRCh38, chr6:44,310,980, plus strand): 5'-AGATCAAAGTCTTCTAATTGCCACCTTTCCCACTTCTAGTCAGGGATTCTCATCCTGCTT[C>T]AGCACCCTATTACCTGTTGTGTTGCATGAAGACCAGGTTCCAAAGCTCTACCAGCTGGGG-3'